The following is an entry in ClinVar:

ClinVar aggregate classification (germline): Uncertain significance (1 of 4 stars; one submission).

Conditions:
Cardiovascular phenotype. Identifiers: MedGen CN230736.

Submission:

Ambry Genetics
Classification: Uncertain significance for Cardiovascular phenotype. Last evaluated: 2019-07-22. Review status: criteria provided, single submitter. Criteria: Ambry Variant Classification Scheme 2023. Collection method: clinical testing. Allele origin: germline.
Comment: The p.A662V variant (also known as c.1985C>T), located in coding exon 12 of the TTN gene, results from a C to T substitution at nucleotide position 1985. The alanine at codon 662 is replaced by valine, an amino acid with similar properties. This amino acid position is highly conserved in available vertebrate species. In addition, the in silico prediction for this alteration is inconclusive. Since supporting evidence is limited at this time, the clinical significance of this alteration remains unclear.

NM_001267550.2(TTN):c.2123C>T (p.Ala708Val)

Gene: TTN (titin; minus strand). Cytogenetic location: 2q31.2.
Variant type: single nucleotide variant.
Coding change: c.2123C>T on transcript NM_001267550.2 (MANE Select); coding-DNA position 2123, C replaced by T.
Protein change: p.Ala708Val; replaces alanine 708 with valine.
Molecular consequence: missense variant.
Genome position (GRCh38, 1-based): chr2:178,786,095, G>A on the plus strand (C>T on the coding strand, the complement: TTN is on the minus strand). VCF-style: chr2-178786095-G-A. GRCh37 (hg19) VCF-style: chr2-179650822-G-A.
Other names: c.2123C>T, p.Ala708Val (NM_001256850.1, NM_133378.4, NM_133379.5); c.1985C>T, p.Ala662Val (NM_003319.4, NM_133432.3, NM_133437.4); short protein forms A662V, A708V.
Identifiers: ClinVar variation 1783866 (VCV001783866.2), dbSNP rs2533564123, ClinGen allele CA349501860.